The following is an entry in ClinVar:

NM_024642.5(GALNT12):c.331A>C (p.Ile111Leu)

Gene: GALNT12 (polypeptide N-acetylgalactosaminyltransferase 12; plus strand). Cytogenetic location: 9q22.33.
Variant type: single nucleotide variant.
Coding change: c.331A>C on transcript NM_024642.5 (MANE Select); coding-DNA position 331, A replaced by C.
Protein change: p.Ile111Leu; replaces isoleucine 111 with leucine.
Molecular consequence: missense variant.
Genome position (GRCh38, 1-based): chr9:98,808,029, A>C. VCF-style: chr9-98808029-A-C. GRCh37 (hg19) VCF-style: chr9-101570311-A-C.
Other names: short protein forms I111L.
Identifiers: ClinVar variation 3227947 (VCV003227947.1), dbSNP rs1487945747, ClinGen allele CA374222999.

ClinVar aggregate classification (germline): Uncertain significance (1 of 4 stars; one submission).

Submission:

Ambry Genetics
Classification: Uncertain significance. Last evaluated: 2024-02-29. Review status: criteria provided, single submitter. Criteria: Ambry Variant Classification Scheme 2023. Collection method: clinical testing. Allele origin: germline.
Comment: The p.I111L variant (also known as c.331A>C), located in coding exon 1 of the GALNT12 gene, results from an A to C substitution at nucleotide position 331. The isoleucine at codon 111 is replaced by leucine, an amino acid with highly similar properties. This amino acid position is conserved. In addition, this alteration is predicted to be tolerated by in silico analysis. Based on the available evidence, the clinical significance of this alteration remains unclear.